The following is an entry in ClinVar:

ClinVar aggregate classification (germline): Likely benign (1 of 4 stars; one submission).

Submission:

CeGaT Center for Human Genetics Tuebingen
Classification: Likely benign. Last evaluated: 2025-02-01. Review status: criteria provided, single submitter. Criteria: CeGaT Center For Human Genetics Tuebingen Variant Classification Criteria Version 2. Collection method: clinical testing. Allele origin: germline. Affected: yes. Observed: 1 variant allele.
Comment: RIMBP3B: BP4, BP7

NM_001128635.2(RIMBP3B):c.4548T>G (p.Ala1516=)

Gene: RIMBP3B (RIMS binding protein 3B; plus strand). Cytogenetic location: 22q11.21.
Variant type: single nucleotide variant.
Coding change: c.4548T>G on transcript NM_001128635.2 (MANE Select); coding-DNA position 4548, T replaced by G.
Protein change: p.Ala1516=; no amino-acid change (alanine 1516 retained).
Molecular consequence: synonymous variant.
Genome position (GRCh38, 1-based): chr22:21,388,406, T>G. VCF-style: chr22-21388406-T-G. GRCh37 (hg19) VCF-style: chr22-21742695-T-G.
Identifiers: ClinVar variation 3771091 (VCV003771091.13).